The following is an entry in ClinVar:

ClinVar aggregate classification (germline): Uncertain significance (1 of 4 stars; one submission).

Conditions:
Cerebral folate transport deficiency. Also called: NEURODEGENERATION DUE TO CEREBRAL FOLATE TRANSPORT DEFICIENCY; FOLR1-Related Cerebral Folate Transport Deficiency; Cerebral folate deficiency syndrome; FOLATE RECEPTOR DEFICIENCY; Neurodegenerative syndrome due to cerebral folate transport deficiency. Identifiers: Orphanet 217382, MedGen C2751584, MONDO:0013110, OMIM 613068. Disease mechanism: loss of function.

Allele frequency attached by ClinVar (database versions not stated): gnomAD exomes below 0.00001.
gnomAD v4.1: 2 of 1,614,200 alleles (0.00012%); highest among the groups gnomAD compares: Non-Finnish European, 0.00017%; no homozygotes.

Submission:

Labcorp Genetics (formerly Invitae), Labcorp
Classification: Uncertain significance for Cerebral folate transport deficiency. Last evaluated: 2022-04-28. Review status: criteria provided, single submitter. Criteria: Invitae Variant Classification Sherloc (09022015). Collection method: clinical testing. Allele origin: germline.
Comment: This sequence change replaces lysine, which is basic and polar, with methionine, which is neutral and non-polar, at codon 168 of the FOLR1 protein (p.Lys168Met). This variant is not present in population databases (gnomAD no frequency). This variant has not been reported in the literature in individuals affected with FOLR1-related conditions. Algorithms developed to predict the effect of missense changes on protein structure and function are either unavailable or do not agree on the potential impact of this missense change (SIFT: "Deleterious"; PolyPhen-2: "Benign"; Align-GVGD: "Class C0"). In summary, the available evidence is currently insufficient to determine the role of this variant in disease. Therefore, it has been classified as a Variant of Uncertain Significance.

NM_016729.3(FOLR1):c.503A>T (p.Lys168Met)

Genes: FOLR1 (folate receptor alpha; plus strand), FOLR1-AS1 (FOLR1 antisense RNA 1; minus strand). Cytogenetic location: 11q13.4.
Variant type: single nucleotide variant.
Coding change: c.503A>T on transcript NM_016729.3 (MANE Select); coding-DNA position 503, A replaced by T.
Protein change: p.Lys168Met; replaces lysine 168 with methionine.
Molecular consequence: missense variant.
Genome position (GRCh38, 1-based): chr11:72,195,906, A>T. VCF-style: chr11-72195906-A-T. GRCh37 (hg19) VCF-style: chr11-71906950-A-T.
Other names: c.503A>T, p.Lys168Met (NM_000802.3, NM_016724.3, NM_016725.3 and 1 more transcripts); short protein forms K168M.
Identifiers: ClinVar variation 2057539 (VCV002057539.4), dbSNP rs1591246700, ClinGen allele CA381734014.